The following is an entry in ClinVar:

NM_182641.4(BPTF):c.4826A>G (p.Asp1609Gly)

Gene: BPTF (bromodomain PHD finger transcription factor; plus strand). Cytogenetic location: 17q24.2.
Variant type: single nucleotide variant.
Coding change: c.4826A>G on transcript NM_182641.4 (MANE Select); coding-DNA position 4826, A replaced by G.
Protein change: p.Asp1609Gly; replaces aspartic acid 1609 with glycine.
Molecular consequence: missense variant.
Genome position (GRCh38, 1-based): chr17:67,912,710, A>G. VCF-style: chr17-67912710-A-G. GRCh37 (hg19) VCF-style: chr17-65908826-A-G.
Other names: c.5204A>G, p.Asp1735Gly (NM_004459.7); short protein forms D1609G, D1735G.
Identifiers: ClinVar variation 1710814 (VCV001710814.2), dbSNP rs2511500868, ClinGen allele CA400731131.

ClinVar aggregate classification (germline): Uncertain significance (1 of 4 stars; one submission).

Allele frequency attached by ClinVar (database versions not stated): gnomAD exomes below 0.00001.
gnomAD v4.1: 1 of 1,614,064 alleles (0.000062%); highest among the groups gnomAD compares: Non-Finnish European, 0.000085%; no homozygotes.

Submission:

GeneDx
Classification: Uncertain significance. Last evaluated: 2022-04-15. Review status: criteria provided, single submitter. Criteria: GeneDx Variant Classification Process June 2021. Collection method: clinical testing. Allele origin: germline. Affected: yes.
Comment: Not observed at significant frequency in large population cohorts (gnomAD); In silico analysis supports that this missense variant has a deleterious effect on protein structure/function; Has not been previously published as pathogenic or benign to our knowledge